The following is an entry in ClinVar:

ClinVar aggregate classification (germline): Uncertain significance. Review status: criteria provided, multiple submitters, no conflicts (2 of 4 stars). 4 submissions from 4 submitters: Uncertain significance (4). Last evaluated 2025-10-08.

Conditions:
BEST1-related disorder. Also called: BEST1-related condition; BEST1-related disorders. Identifiers: MedGen CN239200.

Allele frequency attached by ClinVar (database versions not stated): gnomAD exomes below 0.00001 and 0.00002; ExAC 0.00003; gnomAD 0.00005; TOPMed 0.00011; ESP Exome Variant Server 0.00023.
gnomAD v4.1: 13 of 1,614,064 alleles (0.00081%); highest among the groups gnomAD compares: African/African-American, 0.016%; no homozygotes.

Submissions (4):

PreventionGenetics, part of Exact Sciences
Classification: Uncertain significance for BEST1-related condition. Last evaluated: 2025-10-08. Review status: criteria provided, single submitter. Criteria: ACMG Guidelines, 2015. Collection method: clinical testing. Allele origin: germline.
Comment: The BEST1 c.1204C>T variant is predicted to result in the amino acid substitution p.His402Tyr. To our knowledge, this variant has not been reported in the literature. This variant is reported in 0.024% of alleles in individuals of African descent in gnomAD. At this time, the clinical significance of this variant is uncertain due to the absence of conclusive functional and genetic evidence.

Labcorp Genetics (formerly Invitae), Labcorp
Classification: Uncertain significance. Last evaluated: 2025-03-16. Review status: criteria provided, single submitter. Criteria: Invitae Variant Classification Sherloc (09022015). Collection method: clinical testing. Allele origin: germline.
Comment: This sequence change replaces histidine, which is basic and polar, with tyrosine, which is neutral and polar, at codon 402 of the BEST1 protein (p.His402Tyr). This variant is present in population databases (rs149678971, gnomAD 0.02%). This variant has not been reported in the literature in individuals affected with BEST1-related conditions. ClinVar contains an entry for this variant (Variation ID: 193665). Invitae Evidence Modeling of protein sequence and biophysical properties (such as structural, functional, and spatial information, amino acid conservation, physicochemical variation, residue mobility, and thermodynamic stability) has been performed for this missense variant. However, the output from this modeling did not meet the statistical confidence thresholds required to predict the impact of this variant on BEST1 protein function. In summary, the available evidence is currently insufficient to determine the role of this variant in disease. Therefore, it has been classified as a Variant of Uncertain Significance.

Blueprint Genetics
Classification: Uncertain significance. Last evaluated: 2019-10-24. Review status: criteria provided, single submitter. Criteria: ACMG Guidelines, 2015. Collection method: clinical testing. Allele origin: germline.

Eurofins Ntd Llc (ga)
Classification: Uncertain significance. Last evaluated: 2014-08-15. Review status: criteria provided, single submitter. Criteria: EGL Classification Definitions 2015. Collection method: clinical testing. Allele origin: germline. Observed: 2 variant alleles, 2 heterozygotes.

NM_004183.4(BEST1):c.1204C>T (p.His402Tyr)

Gene: BEST1 (bestrophin 1; plus strand). Cytogenetic location: 11q12.3.
Variant type: single nucleotide variant.
Coding change: c.1204C>T on transcript NM_004183.4 (MANE Select); coding-DNA position 1204, C replaced by T.
Protein change: p.His402Tyr; replaces histidine 402 with tyrosine.
Molecular consequence: missense variant. On other transcripts: non-coding transcript variant (1).
Genome position (GRCh38, 1-based): chr11:61,962,358, C>T. VCF-style: chr11-61962358-C-T. GRCh37 (hg19) VCF-style: chr11-61729830-C-T.
Other names: c.1024C>T, p.His342Tyr (NM_001139443.3, NM_001300787.2); c.943C>T, p.His315Tyr (NM_001300786.2); c.886C>T, p.His296Tyr (NM_001363591.3); c.*99C>T (NM_001363592.2); c.232C>T, p.His78Tyr (NM_001363593.3); c.1204C>T (NM_004183.3); short protein forms H402Y, H315Y, H78Y, H296Y, H342Y.
Identifiers: ClinVar variation 193665 (VCV000193665.14), dbSNP rs149678971, ClinGen allele CA239243.
Genomic context (GRCh38, chr11:61,962,358, plus strand): 5'-GAGGAGGATGCTCACGCTGGCATCATTGGCCGCTTCCTAGGCCTGCAGTCCCATGATCAC[C>T]ATCCTCCCAGGGCAAACTCAAGGACCAAACTACTGTGGCCCAAGAGGGAATCCCTTCTCC-3'
Protein context (NP_004174.1, residues 392-412): RFLGLQSHDH[His402Tyr]PPRANSRTKL